The following is an entry in ClinVar:

ClinVar aggregate classification (germline): Uncertain significance (1 of 4 stars; one submission).

gnomAD v4.1: 3 of 1,606,818 alleles (0.00019%); highest among the groups gnomAD compares: Non-Finnish European, 0.00025%; no homozygotes.

Submission:

Ambry Genetics
Classification: Uncertain significance. Last evaluated: 2022-03-24. Review status: criteria provided, single submitter. Criteria: Ambry Variant Classification Scheme 2023. Collection method: clinical testing. Allele origin: germline.
Comment: The p.P1039T variant (also known as c.3115C>A), located in coding exon 25 of the BUB1 gene, results from a C to A substitution at nucleotide position 3115. The proline at codon 1039 is replaced by threonine, an amino acid with highly similar properties. This amino acid position is conserved. In addition, the in silico prediction for this alteration is inconclusive. Since supporting evidence is limited at this time, the clinical significance of this alteration remains unclear.

NM_004336.5(BUB1):c.3115C>A (p.Pro1039Thr)

Gene: BUB1 (BUB1 mitotic checkpoint serine/threonine kinase; minus strand). Cytogenetic location: 2q13.
Variant type: single nucleotide variant.
Coding change: c.3115C>A on transcript NM_004336.5 (MANE Select); coding-DNA position 3115, C replaced by A.
Protein change: p.Pro1039Thr; replaces proline 1039 with threonine.
Molecular consequence: missense variant.
Genome position (GRCh38, 1-based): chr2:110,638,107, G>T on the plus strand (C>A on the coding strand, the complement: BUB1 is on the minus strand). VCF-style: chr2-110638107-G-T. GRCh37 (hg19) VCF-style: chr2-111395684-G-T.
Other names: c.3055C>A, p.Pro1019Thr (NM_001278616.2); c.2944C>A, p.Pro982Thr (NM_001278617.2); short protein forms P1019T, P982T, P1039T.
Identifiers: ClinVar variation 1727794 (VCV001727794.2), dbSNP rs1009345099, ClinGen allele CA348088516.
Genomic context (GRCh38, chr2:110,638,107, plus strand): 5'-GAAATACTTTCTTCAGCTTTTGCCTTAACAAATCCAAAGATGGAAGATGATGACAATCTG[G>T]AATATTCAACATAACATGAAAAAATTCATTCCACATATCCAAATGAGGAAGCCTGAAAAA-3'
Protein context (NP_004327.1, residues 1029-1049): NEFFHVMLNI[Pro1039Thr]DCHHLPSLDL